The following is an entry in ClinVar:

NM_000969.5(RPL5):c.175_176del (p.Asp59fs)

Genes: DIPK1A (divergent protein kinase domain 1A; minus strand), RPL5 (ribosomal protein L5; plus strand). Cytogenetic location: 1p22.1.
Variant type: Microsatellite.
Coding change: c.175_176del on transcript NM_000969.5 (MANE Select); coding-DNA positions 175 to 176, 2 bases deleted (GA; older notation c.175_176delGA).
Protein change: p.Asp59fs; shifts the reading frame from aspartic acid 59.
Molecular consequence: frameshift variant. On other transcripts: non-coding transcript variant (1), intron variant (1).
Genome position (GRCh38, 1-based): chr1:92,833,646-92,833,647, GA deleted; deleting any 2 consecutive bases within chr1:92,833,643-92,833,647 gives the same sequence; the c. name uses the placement nearest the transcript's 3' end. VCF-style (leftmost placement, unchanged base first): chr1-92833642-CAG-C. GRCh37 (hg19) VCF-style: chr1-93299199-CAG-C.
Other names: c.175_176del (NM_000969.3); c.475-610_475-609del (NM_001252273.2); short protein forms D59fs.
Identifiers: ClinVar variation 662012 (VCV000662012.23), dbSNP rs1571024430, ClinGen allele CA645523226.

ClinVar aggregate classification (germline): Pathogenic. Review status: criteria provided, multiple submitters, no conflicts (2 of 4 stars). 11 submissions from 11 submitters: Pathogenic (10). 1 of the submissions does not count toward it. Last evaluated 2025-11-04.

Conditions:
Diamond-Blackfan anemia. Also called: Blackfan Diamond syndrome; Aregenerative anemia chronic congenital; Red cell aplasia, pure hereditary; Congenital hypoplastic anemia; Aase syndrome. Identifiers: Orphanet 124, MedGen C1260899, MeSH D029503, MONDO:0015253, HP:0004810.
Diamond-Blackfan anemia 6 (DBA6). Also called: RPL5-Related Diamond-Blackfan Anemia. Identifiers: Orphanet 124, MedGen C2931850, MONDO:0012937, OMIM 612561.
RPL5-related disorder. Also called: RPL5-related condition.

Submissions (11):

Labcorp Genetics (formerly Invitae), Labcorp
Classification: Pathogenic for Diamond-Blackfan anemia. Last evaluated: 2025-11-04. Review status: criteria provided, single submitter. Criteria: Invitae Variant Classification Sherloc (09022015). Collection method: clinical testing. Allele origin: germline.
Comment: This sequence change creates a premature translational stop signal (p.Asp59Tyrfs*53) in the RPL5 gene. It is expected to result in an absent or disrupted protein product. Loss-of-function variants in RPL5 are known to be pathogenic (PMID: 19061985, 19773262). This variant is not present in population databases (gnomAD no frequency). This premature translational stop signal has been observed in individual(s) with Diamond-Blackfan anemia (PMID: 19061985, 21659346, 23718193). This variant is also known as c.173_4delGA. ClinVar contains an entry for this variant (Variation ID: 662012). For these reasons, this variant has been classified as Pathogenic.

PreventionGenetics, part of Exact Sciences
Classification: Pathogenic for RPL5-related condition. Last evaluated: 2025-06-30. Review status: criteria provided, single submitter. Criteria: ACMG Guidelines, 2015. Collection method: clinical testing. Allele origin: germline.
Comment: The RPL5 c.175_176delGA variant is predicted to result in a frameshift and premature protein termination (p.Asp59Tyrfs*53). This variant has been reported in individuals with Diamond-Blackfan anaemia (See for examples, Reported as c.173_174del, Gazda et al 2008. PubMed ID: 19061985; Reported as c.172_173del, Gerrard et al 2013. PubMed ID: 23718193). This variant has not been reported in a large population database, indicating this variant is rare. This variant is listed in ClinVar as pathogenic. Frameshift variants in RPL5 are expected to be pathogenic. This variant is interpreted as pathogenic.

ARUP Laboratories, Molecular Genetics and Genomics, ARUP Laboratories
Classification: Pathogenic for Diamond-Blackfan anemia 6. Last evaluated: 2024-09-24. Review status: criteria provided, single submitter. Criteria: ARUP Molecular Germline Variant Investigation Process 2024. Collection method: clinical testing. Allele origin: germline.
Comment: The RPL5 c.175_176del; p.Asp59TyrfsTer53 variant (rs1571024430, ClinVar Variation ID: 662012), also known as c.173_4delGA, is reported in the literature in individuals affected with Diamond-Blackfan anemia (Fukui 2021, Galvez 2021, Gazda 2008, Gerrard 2013). This variant is absent from the Genome Aggregation Database (v2.1.1), indicating it is not a common polymorphism. In vitro functional analyses from induced pluripotent stem cells show increased cell death during chondrogenesis but not osteogenesis (Fukui 2021). This variant causes a frameshift by deleting two nucleotides, so it is predicted to result in a truncated protein or mRNA subject to nonsense-mediated decay. Based on available information, this variant is considered to be pathogenic. References: Fukui Y et al. Investigation of the molecular causes underlying physical abnormalities in Diamond-Blackfan anemia patients with RPL5 haploinsufficiency. Pathol Int. 2021 Dec;71(12):803-813. PMID: 34587661. GÃ¡lvez E et al. Next-generation Sequencing in Bone Marrow Failure Syndromes and Isolated Cytopenias: Experience of the Spanish Network on Bone Marrow Failure Syndromes. Hemasphere. 2021 Mar 9;5(4):e539. PMID: 33718801. Gazda HT et al. Ribosomal protein L5 and L11 mutations are associated with cleft palate and abnormal thumbs in Diamond-Blackfan anemia patients. Am J Hum Genet. 2008 Dec;83(6):769-80. PMID: 19061985. Gerrard G et al. Target enrichment and high-throughput sequencing of 80 ribosomal protein genes to identify mutations associated with Diamond-Blackfan anaemia. Br J Haematol. 2013 Aug;162(4):530-6. PMID: 23718193.

Division of Genetic & Genomic Pathology, Hong Kong Children's Hospital
Classification: Pathogenic for Diamond-Blackfan anemia 6. Last evaluated: 2024-04-26. Review status: criteria provided, single submitter. Criteria: ACMG Guidelines, 2015. Collection method: clinical testing. Allele origin: germline. Affected: yes.
Comment: RPL5 c.175_176del is a 2-nucleotide deletion located in exon 3 (out of 8 exons). It disrupts the original reading frame of the gene and is predicted to result in loss of protein function by nonsense-mediated mRNA decay. This variant is absent from population controls (gnomAD v2.1.1 and v4.1.0). The same variant is deposited in ClinVar as pathogenic (accession no. VCV000662012.14), and has been reported in multiple patients with Diamond-Blackfan anaemia (PMID: 19061985, 19191325, 23718193, 34587661). A single functional study suggested this variant resulted in a reduced expression of RPL5 protein in osteoblasts and chondrocytes compared to wild-type control (PMID: 34587661). For these reasons, the RPL5 c.175_176del variant is classified as pathogenic.

Revvity Omics, Revvity
Classification: Pathogenic for Diamond-Blackfan anemia 6. Last evaluated: 2022-05-17. Review status: criteria provided, single submitter. Criteria: ACMG Guidelines, 2015. Collection method: clinical testing. Allele origin: germline.

Blueprint Genetics
Classification: Pathogenic for RPL5-related disorders. Last evaluated: 2022-03-28. Review status: criteria provided, single submitter. Criteria: ACMG Guidelines, 2015. Collection method: clinical testing. Allele origin: germline. Affected: yes. Observed: 2 variant alleles.

3billion
Classification: Pathogenic for Diamond-Blackfan anemia 6. Last evaluated: 2021-10-02. Review status: criteria provided, single submitter. Criteria: ACMG Guidelines, 2015. Collection method: clinical testing. Allele origin: unknown. Affected: yes. Observed: 1 heterozygote.
Comment: Frameshift: predicted to result in a loss or disruption of normal protein function through nonsense-mediated decay (NMD) or protein truncation. Multiple pathogenic variants are reported downstream of the variant (PVS1_VS). It is not observed in the gnomAD v2.1.1 dataset (PM2). The variant has been reported multiple times as pathogenic (ClinVar ID: VCV000662012.4, PMID: 23718193, 21659346). Therefore, this variant is classified as pathogenic according to the recommendation of ACMG/AMP guideline.

Baylor Genetics
Classification: Pathogenic for Diamond-Blackfan anemia 6. Last evaluated: 2019-02-04. Review status: criteria provided, single submitter. Criteria: ACMG Guidelines, 2015. Collection method: clinical testing. Allele origin: de novo. Affected: yes.
Comment: This variant was determined to be pathogenic according to ACMG Guidelines, 2015 [PMID:25741868]. This variant has been previously reported as disease causing [PMID 19061985, 23718193]

Ambry Genetics
Classification: Pathogenic for Diamond-Blackfan anemia. Last evaluated: 2018-07-26. Review status: criteria provided, single submitter. Criteria: Ambry Variant Classification Scheme 2023. Collection method: clinical testing. Allele origin: germline.
Comment: The c.175_176delGA pathogenic mutation, located in coding exon 3 of the RPL5 gene, results from a deletion of two nucleotides at nucleotide positions 175 to 176, causing a translational frameshift with a predicted alternate stop codon (p.D59Yfs*53). This mutation (also reported as c.173_174 delGA in the literature) has been identified in multiple individuals with a clinical diagnosis of Diamond-Blackfan anemia (DBA), including one de novo occurrence (Gazda HT et al. Am. J. Hum. Genet., 2008 Dec;83:769-80; Cmejla R et al. Hum. Mutat., 2009 Mar;30:321-7;Tsangaris E et al. J. Med. Genet., 2011 Sep;48:618-28). In addition to the clinical data presented in the literature, this alteration is expected to result in loss of function by premature protein truncation or nonsense-mediated mRNA decay. As such, this alteration is interpreted as a disease-causing mutation.

Suma Genomics
Classification: Pathogenic for Diamond-Blackfan anemia 6. Review status: criteria provided, single submitter. Criteria: ACMG Guidelines, 2015. Collection method: clinical testing. Allele origin: de novo. Inheritance: Autosomal dominant inheritance. Affected: yes. Observed: 1 heterozygote.
Comment: A frameshift variant c.175_176del, p.(Asp59TyrfsTer53) is observed in exon 3 of RPL5 in heterozygous state. This variant is not observed in the gnomAD database. ACMG criteria met: PVS1: Null variant in a gene where loss of function is a known mechanism of disease PS2_Very strong: De novo in a patient with phenotype consistency, no family history, and both maternity and paternity are confirmed. PM2_Supporting: Extremely low frequency in gnomAD population databases

OMIM
Classification: Pathogenic for DIAMOND-BLACKFAN ANEMIA 6. Last evaluated: 2008-12-01. Review status: no assertion criteria provided. Collection method: literature only. Allele origin: germline. Not counted in ClinVar's aggregate classification.

Literature cited by the submitters: PubMed 19061985 (cited by 5 submitters); PubMed 19773262 (cited by Labcorp Genetics (formerly Invitae), Labcorp); PubMed 21659346 (cited by 3 submitters); PubMed 23718193 (cited by 4 submitters); PubMed 19191325 (cited by Division of Genetic & Genomic Pathology, Hong Kong Children's Hospital and Ambry Genetics); PubMed 34587661 (cited by Division of Genetic & Genomic Pathology, Hong Kong Children's Hospital).